The following is an entry in ClinVar:

ClinVar aggregate classification (germline): Pathogenic (1 of 4 stars; one submission).

Conditions:
Pheochromocytoma. Also called: MAX-Related Hereditary Paraganglioma-Pheochromocytoma Syndrome. Identifiers: Orphanet 29072, MedGen C0031511, MONDO:0008233, OMIM 171300, HP:0002666.
Gastrointestinal stromal tumor. Also called: Gastrointestinal stromal tumor, somatic; Gastrointestinal stroma tumor. Identifiers: Orphanet 44890, MedGen C0238198, MeSH D046152, MONDO:0011719, OMIM 606764, HP:0100723.
Pheochromocytoma/paraganglioma syndrome 4. Also called: CAROTID BODY TUMORS AND MULTIPLE EXTRAADRENAL PHEOCHROMOCYTOMAS; SDHB-Related Hereditary Paraganglioma-Pheochromocytoma Syndrome (Paragangliomas 4); Paragangliomas 4; SDHB-Related Hereditary Paraganglioma-Pheochromocytoma Syndrome; PARAGANGLIOMA, FAMILIAL MALIGNANT; PARAGANGLIOMAS, HEREDITARY EXTRAADRENAL. Identifiers: Orphanet 29072, MedGen C1861848, MONDO:0007273, OMIM 115310.

Submission:

Labcorp Genetics (formerly Invitae), Labcorp
Classification: Pathogenic for Gastrointestinal stromal tumor; Pheochromocytoma/paraganglioma syndrome 4; Pheochromocytoma. Last evaluated: 2020-10-26. Review status: criteria provided, single submitter. Criteria: Invitae Variant Classification Sherloc (09022015). Collection method: clinical testing. Allele origin: germline.
Comment: This variant is a gross deletion of the genomic region encompassing exons 2-8 of the SDHB gene. The 5' boundary is likely confined to intron 1. The 3' end of this event is unknown as it extends through the termination codon beyond the assayed region for this gene and may encompass additional genes. While this deletion is not anticipated to result in nonsense mediated decay, it is expected to create a truncated protein product or disrupt mRNA translation. Deletion of exons 2-8 has not been reported in the literature in individuals with an SDHB-related disease. Smaller exonic deletions within exons 2-8 have been reported in individuals affected with paraganglioma and/or pheochromocytoma (PMID: 17652212, 19029228, 22517554, 24977658). Furthermore, several missense substitutions between exons 2-8 have been determined to be pathogenic, including p.Trp200Cys (PMID: 20119652, 22835832), p.Cys196Tyr (PMID: 21172883, 19064958), and p.Val140Phe (PMID: 20583550, 20503330). This suggests that this region is critical for SDHB protein function. For these reasons, this variant has been classified as Pathogenic.

Literature cited by the submitters: PubMed 17652212; PubMed 19029228; PubMed 22517554; PubMed 24977658; PubMed 20119652; PubMed 22835832; PubMed 21172883; PubMed 19064958; PubMed 20583550; PubMed 20503330.

NC_000001.10:g.(?_17345376)_(17371403_?)del

Gene: SDHB (succinate dehydrogenase complex iron sulfur subunit B; minus strand). Cytogenetic location: 1p36.13.
Variant type: Deletion.
Identifiers: ClinVar variation 1072824 (VCV001072824.1).